The following is an entry in ClinVar:

NM_173354.5(SIK1):c.1538C>G (p.Ala513Gly)

Gene: SIK1 (salt inducible kinase 1; minus strand). Cytogenetic location: 21q22.3.
Variant type: single nucleotide variant.
Coding change: c.1538C>G on transcript NM_173354.5 (MANE Select); coding-DNA position 1538, C replaced by G.
Protein change: p.Ala513Gly; replaces alanine 513 with glycine.
Molecular consequence: missense variant.
Genome position (GRCh38, 1-based): chr21:43,418,466, G>C on the plus strand (C>G on the coding strand, the complement: SIK1 is on the minus strand). VCF-style: chr21-43418466-G-C. GRCh37 (hg19) VCF-style: chr21-44838346-G-C.
Other names: short protein forms A513G.
Identifiers: ClinVar variation 938594 (VCV000938594.11), dbSNP rs200402559, ClinGen allele CA321325472.

ClinVar aggregate classification (germline): Uncertain significance. Review status: criteria provided, multiple submitters, no conflicts (2 of 4 stars). 2 submissions from 2 submitters: Uncertain significance (2). Last evaluated 2025-02-04.

Conditions:
Developmental and epileptic encephalopathy, 30 (DEE30). Also called: Epileptic encephalopathy, early infantile, 30. Identifiers: MedGen C4225360, MONDO:0014595, OMIM 616341.

Submissions (2):

Greenwood Genetic Center Diagnostic Laboratories, Greenwood Genetic Center
Classification: Uncertain significance. Last evaluated: 2025-02-04. Review status: criteria provided, single submitter. Criteria: ACMG Guidelines, 2015. Collection method: clinical testing. Allele origin: germline.
Comment: PM2

Labcorp Genetics (formerly Invitae), Labcorp
Classification: Uncertain significance for Developmental and epileptic encephalopathy, 30. Last evaluated: 2021-06-28. Review status: criteria provided, single submitter. Criteria: Invitae Variant Classification Sherloc (09022015). Collection method: clinical testing. Allele origin: germline.
Comment: ClinVar contains an entry for this variant (Variation ID: 938594). Advanced modeling of protein sequence and biophysical properties (such as structural, functional, and spatial information, amino acid conservation, physicochemical variation, residue mobility, and thermodynamic stability) performed at Invitae indicates that this missense variant is not expected to disrupt SIK1 protein function. In summary, the available evidence is currently insufficient to determine the role of this variant in disease. Therefore, it has been classified as a Variant of Uncertain Significance. This variant has been observed in individual(s) with clinical features of SIK1-related conditions (Invitae). This sequence change replaces alanine with glycine at codon 513 of the SIK1 protein (p.Ala513Gly). The alanine residue is moderately conserved and there is a small physicochemical difference between alanine and glycine. This variant is present in population databases (rs200402559, ExAC 0.002%).